The following is an entry in ClinVar:

NM_015335.5(MED13L):c.6139C>G (p.Leu2047Val)

Gene: MED13L (mediator complex subunit 13L; minus strand). Cytogenetic location: 12q24.21.
Variant type: single nucleotide variant.
Coding change: c.6139C>G on transcript NM_015335.5 (MANE Select); coding-DNA position 6139, C replaced by G.
Protein change: p.Leu2047Val; replaces leucine 2047 with valine.
Molecular consequence: missense variant.
Genome position (GRCh38, 1-based): chr12:115,969,026, G>C on the plus strand (C>G on the coding strand, the complement: MED13L is on the minus strand). VCF-style: chr12-115969026-G-C. GRCh37 (hg19) VCF-style: chr12-116406831-G-C.
Other names: short protein forms L2047V.
Identifiers: ClinVar variation 1804370 (VCV001804370.6), dbSNP rs1002419793, ClinGen allele CA244132070.

ClinVar aggregate classification (germline): Uncertain significance. Review status: criteria provided, multiple submitters, no conflicts (2 of 4 stars). 2 submissions from 2 submitters: Uncertain significance (2). Last evaluated 2022-06-15.

Conditions:
Dextro-looped transposition of the great arteries. Also called: Dextrotransposition of the great arteries. Identifiers: Orphanet 860, MedGen C3531771, MONDO:0019443, OMIM 608808, HP:0031348.

Submissions (2):

GeneDx
Classification: Uncertain significance. Last evaluated: 2022-06-15. Review status: criteria provided, single submitter. Criteria: GeneDx Variant Classification Process June 2021. Collection method: clinical testing. Allele origin: germline. Affected: yes.
Comment: Not observed at significant frequency in large population cohorts (gnomAD); In silico analysis supports that this missense variant does not alter protein structure/function; Has not been previously published as pathogenic or benign to our knowledge

Labcorp Genetics (formerly Invitae), Labcorp
Classification: Uncertain significance for Dextro-looped transposition of the great arteries. Last evaluated: 2022-04-25. Review status: criteria provided, single submitter. Criteria: Invitae Variant Classification Sherloc (09022015). Collection method: clinical testing. Allele origin: germline.
Comment: This variant has not been reported in the literature in individuals affected with MED13L-related conditions. This variant is not present in population databases (gnomAD no frequency). This sequence change replaces leucine, which is neutral and non-polar, with valine, which is neutral and non-polar, at codon 2047 of the MED13L protein (p.Leu2047Val). Algorithms developed to predict the effect of missense changes on protein structure and function are either unavailable or do not agree on the potential impact of this missense change (SIFT: "Tolerated"; PolyPhen-2: "Probably Damaging"; Align-GVGD: "Class C0"). In summary, the available evidence is currently insufficient to determine the role of this variant in disease. Therefore, it has been classified as a Variant of Uncertain Significance.